The following is an entry in ClinVar:

NM_017514.5(PLXNA3):c.4986G>A (p.Lys1662=)

Gene: PLXNA3 (plexin A3; plus strand). Cytogenetic location: Xq28.
Variant type: single nucleotide variant.
Coding change: c.4986G>A on transcript NM_017514.5 (MANE Select); coding-DNA position 4986, G replaced by A.
Protein change: p.Lys1662=; no amino-acid change (lysine 1662 retained).
Molecular consequence: synonymous variant.
Genome position (GRCh38, 1-based): chrX:154,470,167, G>A. VCF-style: chrX-154470167-G-A. GRCh37 (hg19) VCF-style: chrX-153698510-G-A.
Identifiers: ClinVar variation 3351203 (VCV003351203.1).
Genomic context (GRCh38, chrX:154,470,167, plus strand): 5'-GGGGGACCGTGGCAGCAAGATGGTCTCCGAGATCTACCTGACACGGCTGCTGGCCACCAA[G>A]GTATGGGCCTGCCTCTCGCCACCTTGGCCTCCGCCCAGAGGTTGTCCCGGCCTTACAGGG-3'
Protein context (NP_059984.3, residues 1652-1672): EIYLTRLLAT[Lys1662=]GTLQKFVDDL

ClinVar aggregate classification (germline): Likely benign (0 of 4 stars; one submission).

Conditions:
PLXNA3-related disorder. Also called: PLXNA3-related condition.

gnomAD v4.1: 9 of 1,206,623 alleles (0.00075%); highest among the groups gnomAD compares: African/African-American, 0.012%; no homozygotes.

Submission:

PreventionGenetics, part of Exact Sciences
Classification: Likely benign for PLXNA3-related condition. Last evaluated: 2023-05-05. Review status: no assertion criteria provided. Collection method: clinical testing. Allele origin: germline.
Comment: This variant is classified as likely benign based on ACMG/AMP sequence variant interpretation guidelines (Richards et al. 2015 PMID: 25741868, with internal and published modifications).